The following is an entry in ClinVar:

NM_005198.5(CHKB):c.580C>T (p.Arg194Trp)

Genes: CHKB-CPT1B (CHKB-CPT1B readthrough (NMD candidate); minus strand), CHKB (choline kinase beta; minus strand). Cytogenetic location: 22q13.33.
Variant type: single nucleotide variant.
Coding change: c.580C>T on transcript NM_005198.5 (MANE Select); coding-DNA position 580, C replaced by T.
Protein change: p.Arg194Trp; replaces arginine 194 with tryptophan.
Molecular consequence: missense variant. On other transcripts: non-coding transcript variant (1).
Genome position (GRCh38, 1-based): chr22:50,581,421, G>A on the plus strand (C>T on the coding strand, the complement: CHKB is on the minus strand). VCF-style: chr22-50581421-G-A. GRCh37 (hg19) VCF-style: chr22-51019850-G-A.
Other names: short protein forms R194W.
Identifiers: ClinVar variation 1003237 (VCV001003237.6), dbSNP rs763737224, ClinGen allele CA10323745.

ClinVar aggregate classification (germline): Uncertain significance (1 of 4 stars; one submission).

Conditions:
Megaconial type congenital muscular dystrophy (MDCMC). Also called: CHKB-Related Muscle Diseases; CHKB-Related Muscular Dystrophy; MUSCULAR DYSTROPHY, CONGENITAL, WITH MITOCHONDRIAL STRUCTURAL ABNORMALITIES. Identifiers: Orphanet 280671, MedGen C1865233, MONDO:0011246, OMIM 602541.

Allele frequency attached by ClinVar (database versions not stated): gnomAD 0.00001; TOPMed 0.00001.
gnomAD v4.1: 32 of 1,613,030 alleles (0.002%); highest among the groups gnomAD compares: African/African-American, 0.004%; no homozygotes.

Submission:

Labcorp Genetics (formerly Invitae), Labcorp
Classification: Uncertain significance for Megaconial type congenital muscular dystrophy. Last evaluated: 2022-08-23. Review status: criteria provided, single submitter. Criteria: Invitae Variant Classification Sherloc (09022015). Collection method: clinical testing. Allele origin: germline.
Comment: This sequence change replaces arginine, which is basic and polar, with tryptophan, which is neutral and slightly polar, at codon 194 of the CHKB protein (p.Arg194Trp). This variant is present in population databases (rs763737224, gnomAD 0.006%). This variant has not been reported in the literature in individuals affected with CHKB-related conditions. ClinVar contains an entry for this variant (Variation ID: 1003237). Algorithms developed to predict the effect of missense changes on protein structure and function are either unavailable or do not agree on the potential impact of this missense change (SIFT: "Deleterious"; PolyPhen-2: "Benign"; Align-GVGD: "Class C0"). In summary, the available evidence is currently insufficient to determine the role of this variant in disease. Therefore, it has been classified as a Variant of Uncertain Significance.